The following is an entry in ClinVar:

ClinVar aggregate classification (germline): Uncertain significance (1 of 4 stars; one submission).

gnomAD v4.1: 2 of 1,612,728 alleles (0.00012%); highest among the groups gnomAD compares: African/African-American, 0.0027%; no homozygotes.

Submission:

Mayo Clinic Laboratories, Mayo Clinic
Classification: Uncertain significance. Last evaluated: 2025-04-17. Review status: criteria provided, single submitter. Criteria: ACMG Guidelines, 2015. Collection method: clinical testing. Allele origin: germline. Observed: 1 variant allele.
Comment: BP4, PM2_supporting

NM_000081.4(LYST):c.6182G>A (p.Gly2061Glu)

Gene: LYST (lysosomal trafficking regulator; minus strand). Cytogenetic location: 1q42.3.
Variant type: single nucleotide variant.
Coding change: c.6182G>A on transcript NM_000081.4 (MANE Select); coding-DNA position 6182, G replaced by A.
Protein change: p.Gly2061Glu; replaces glycine 2061 with glutamic acid.
Molecular consequence: missense variant.
Genome position (GRCh38, 1-based): chr1:235,762,791, C>T on the plus strand (G>A on the coding strand, the complement: LYST is on the minus strand). VCF-style: chr1-235762791-C-T. GRCh37 (hg19) VCF-style: chr1-235926091-C-T.
Other names: p.Gly2061Glu; c.6182G>A, p.Gly2061Glu (NM_001301365.1); short protein forms G2061E.
Identifiers: ClinVar variation 4542394 (VCV004542394.1).
Genomic context (GRCh38, chr1:235,762,791, plus strand): 5'-GAAGCAGTAAAACCAGATGGGCTTATTACCATAAATCCAGGGCTCATAAGGGACCTTCCT[C>T]CACTGCTGGAATGCCTCAGGTACATGATTGACCGCACTTTCTCCTGAAAGATCTTGCCAT-3'
Protein context (NP_000072.2, residues 2051-2071): SIMYLRHSSS[Gly2061Glu]GRSLMSPGFM